The following is an entry in ClinVar:

ClinVar aggregate classification (germline): Pathogenic (1 of 4 stars; one submission).

Submission:

Labcorp Genetics (formerly Invitae), Labcorp
Classification: Pathogenic. Last evaluated: 2023-03-17. Review status: criteria provided, single submitter. Criteria: Invitae Variant Classification Sherloc (09022015). Collection method: clinical testing. Allele origin: germline.
Comment: For these reasons, this variant has been classified as Pathogenic. This variant has not been reported in the literature in individuals affected with ADGRG1-related conditions. This variant is not present in population databases (gnomAD no frequency). This sequence change creates a premature translational stop signal (p.Cys366*) in the ADGRG1 gene. It is expected to result in an absent or disrupted protein product. Loss-of-function variants in ADGRG1 are known to be pathogenic (PMID: 15044805, 20929962).

Literature cited by the submitters: PubMed 15044805; PubMed 20929962.

NM_201525.4(ADGRG1):c.1098_1099del (p.Cys366_Glu367delinsTer)

Gene: ADGRG1 (adhesion G protein-coupled receptor G1; plus strand). Cytogenetic location: 16q21.
Variant type: Microsatellite.
Coding change: c.1098_1099del on transcript NM_201525.4 (MANE Select); coding-DNA positions 1098 to 1099, 2 bases deleted (TG; older notation c.1098_1099delTG).
Protein change: p.Cys366_Glu367delinsTer.
Molecular consequence: nonsense.
Genome position (GRCh38, 1-based): chr16:57,656,548-57,656,549, TG deleted; deleting any 2 consecutive bases within chr16:57,656,545-57,656,549 gives the same sequence; the c. name uses the placement nearest the transcript's 3' end. VCF-style (leftmost placement, unchanged base first): chr16-57656544-GGT-G. GRCh37 (hg19) VCF-style: chr16-57690456-GGT-G.
Other names: c.1098_1099del, p.Cys366_Glu367delinsTer (NM_005682.7, NM_201524.4, NM_001145770.3 and 14 more transcripts); c.1113_1114del, p.Cys371_Glu372delinsTer (NM_001145773.3, NM_001370433.1); c.588_589del, p.Cys196_Glu197delinsTer (NM_001290142.2); c.573_574del, p.Cys191_Glu192delinsTer (NM_001290143.2, NM_001290144.2, NM_001370451.1 and 2 more transcripts); c.1095_1096del, p.Cys365_Glu366delinsTer (NM_001370434.1, NM_001370441.1); c.942_943del, p.Cys314_Glu315delinsTer (NM_001370442.1).
Identifiers: ClinVar variation 2846594 (VCV002846594.3), dbSNP rs2545369227, ClinGen allele CA2739265502.